The following is an entry in ClinVar:

ClinVar aggregate classification (germline): Uncertain significance. Review status: criteria provided, multiple submitters, no conflicts (2 of 4 stars). 2 submissions from 2 submitters: Uncertain significance (2). Last evaluated 2025-01-14.

Conditions:
Hereditary cancer-predisposing syndrome. Also called: Neoplastic Syndromes, Hereditary; Hereditary Cancer Syndrome; Tumor predisposition; Hereditary neoplastic syndrome. Identifiers: Orphanet 140162, MedGen C0027672, MeSH D009386, MONDO:0015356.
Ataxia-telangiectasia syndrome (AT). Also called: LOUIS-BAR SYNDROME; Cerebello-oculocutaneous telangiectasia; Immunodeficiency with ataxia telangiectasia; Ataxia-telangiectasia, complementation group D; AT, COMPLEMENTATION GROUP C; Ataxia-telangiectasia, complementation group E. Identifiers: Orphanet 100, MedGen C0004135, MONDO:0008840, OMIM 208900.

Submissions (2):

Ambry Genetics
Classification: Uncertain significance for Hereditary cancer-predisposing syndrome. Last evaluated: 2025-01-14. Review status: criteria provided, single submitter. Criteria: Ambry Variant Classification Scheme 2023. Collection method: clinical testing. Allele origin: germline.
Comment: The p.T2438R variant (also known as c.7313C>G), located in coding exon 49 of the ATM gene, results from a C to G substitution at nucleotide position 7313. The threonine at codon 2438 is replaced by arginine, an amino acid with similar properties. This amino acid position is well conserved in available vertebrate species. In addition, the in silico prediction for this alteration is inconclusive. Based on the available evidence, the clinical significance of this variant remains unclear.

Labcorp Genetics (formerly Invitae), Labcorp
Classification: Uncertain significance for Ataxia-telangiectasia syndrome. Last evaluated: 2024-07-09. Review status: criteria provided, single submitter. Criteria: Invitae Variant Classification Sherloc (09022015). Collection method: clinical testing. Allele origin: germline.
Comment: This sequence change replaces threonine, which is neutral and polar, with arginine, which is basic and polar, at codon 2438 of the ATM protein (p.Thr2438Arg). This variant is not present in population databases (gnomAD no frequency). This variant has not been reported in the literature in individuals affected with ATM-related conditions. ClinVar contains an entry for this variant (Variation ID: 453674). An algorithm developed to predict the effect of missense changes on protein structure and function (PolyPhen-2) suggests that this variant is likely to be disruptive. Algorithms developed to predict the effect of sequence changes on RNA splicing suggest that this variant may create or strengthen a splice site. In summary, the available evidence is currently insufficient to determine the role of this variant in disease. Therefore, it has been classified as a Variant of Uncertain Significance.

NM_000051.4(ATM):c.7313C>G (p.Thr2438Arg)

Genes: ATM (ATM serine/threonine kinase; plus strand), C11orf65 (chromosome 11 open reading frame 65; minus strand). Cytogenetic location: 11q22.3.
Variant type: single nucleotide variant.
Coding change: c.7313C>G on transcript NM_000051.4 (MANE Select); coding-DNA position 7313, C replaced by G.
Protein change: p.Thr2438Arg; replaces threonine 2438 with arginine.
Molecular consequence: missense variant. On other transcripts: intron variant (2).
Genome position (GRCh38, 1-based): chr11:108,330,219, C>G. VCF-style: chr11-108330219-C-G. GRCh37 (hg19) VCF-style: chr11-108200946-C-G.
Other names: c.*38+5001G>C (NM_001351110.2); c.7313C>G, p.Thr2438Arg (NM_001351834.2); c.641-21148G>C (NM_001330368.2); short protein forms T2438R.
Identifiers: ClinVar variation 453674 (VCV000453674.11), dbSNP rs147604227, ClinGen allele CA382559871.